The following is an entry in ClinVar:

ClinVar aggregate classification (germline): Uncertain significance (1 of 4 stars; one submission).

Conditions:
Inborn genetic diseases. Identifiers: MedGen C0950123, MeSH D030342.

Submission:

Ambry Genetics
Classification: Uncertain significance for Inborn genetic diseases. Last evaluated: 2025-01-14. Review status: criteria provided, single submitter. Criteria: Ambry Variant Classification Scheme 2023. Collection method: clinical testing. Allele origin: germline.
Comment: The p.S73C variant (also known as c.217A>T), located in coding exon 1 of the GATA2 gene, results from an A to T substitution at nucleotide position 217. The serine at codon 73 is replaced by cysteine, an amino acid with dissimilar properties. This amino acid position is conserved. In addition, the in silico prediction for this alteration is inconclusive. Based on the available evidence, the clinical significance of this variant remains unclear.

NM_032638.5(GATA2):c.217A>T (p.Ser73Cys)

Gene: GATA2 (GATA binding protein 2; minus strand). Cytogenetic location: 3q21.3.
Variant type: single nucleotide variant.
Coding change: c.217A>T on transcript NM_032638.5 (MANE Select); coding-DNA position 217, A replaced by T.
Protein change: p.Ser73Cys; replaces serine 73 with cysteine.
Molecular consequence: missense variant.
Genome position (GRCh38, 1-based): chr3:128,486,815, T>A on the plus strand (A>T on the coding strand, the complement: GATA2 is on the minus strand). VCF-style: chr3-128486815-T-A. GRCh37 (hg19) VCF-style: chr3-128205658-T-A.
Other names: c.217A>T, p.Ser73Cys (NM_001145661.2, NM_001145662.1); short protein forms S73C.
Identifiers: ClinVar variation 3853023 (VCV003853023.1).
Genomic context (GRCh38, chr3:128,486,815, plus strand): 5'-CCTGGCGCGCGGCGCCTGGGTTCTCATCACCACGGGCCCAGTGCTCACCGTGCGCGGGGC[T>A]GTAGGAGACGCGCGCCCGCGCGTGAGCGGGGTTGGCATAGTAGGGGTTGCCCTGCGAGTC-3'
Protein context (NP_116027.2, residues 63-83): PAHARARVSY[Ser73Cys]PAHARLTGGQ